The following is an entry in ClinVar:

NM_021625.5(TRPV4):c.1899C>T (p.Val633=)

Gene: TRPV4 (transient receptor potential cation channel subfamily V member 4; minus strand). Cytogenetic location: 12q24.11.
Variant type: single nucleotide variant.
Coding change: c.1899C>T on transcript NM_021625.5 (MANE Select); coding-DNA position 1899, C replaced by T.
Protein change: p.Val633=; no amino-acid change (valine 633 retained).
Molecular consequence: synonymous variant.
Genome position (GRCh38, 1-based): chr12:109,788,709, G>A on the plus strand (C>T on the coding strand, the complement: TRPV4 is on the minus strand). VCF-style: chr12-109788709-G-A. GRCh37 (hg19) VCF-style: chr12-110226514-G-A.
Other names: c.1578C>T, p.Val526= (NM_001177433.2); c.1719C>T, p.Val573= (NM_147204.3); c.1758C>T, p.Val586= (NM_001177428.2); c.1797C>T, p.Val599= (NM_001177431.2).
Identifiers: ClinVar variation 536871 (VCV000536871.43), dbSNP rs753027239, ClinGen allele CA6780050.

ClinVar aggregate classification (germline): Likely benign. Review status: criteria provided, multiple submitters, no conflicts (2 of 4 stars). 6 submissions from 6 submitters: Likely benign (6). Last evaluated 2025-10-02.

Conditions:
Charcot-Marie-Tooth disease axonal type 2C (HMSN2C). Also called: CHARCOT-MARIE-TOOTH DISEASE, AXONAL, AUTOSOMAL DOMINANT, TYPE 2C; Charcot-Marie-Tooth Neuropathy Type 2C; Charcot-Marie-Tooth Disease Type 2, TRPV4-Related (CMT2C). Identifiers: Orphanet 99937, MedGen C1853710, MONDO:0011633, OMIM 606071.
Inborn genetic diseases. Identifiers: MedGen C0950123, MeSH D030342.
Charcot-Marie-Tooth disease. Also called: Charcot-Marie-Tooth Neuropathy; Charcot-Marie-Tooth Hereditary Neuropathy. Identifiers: Orphanet 166, MedGen C0007959, MONDO:0015626.

Allele frequency attached by ClinVar (database versions not stated): gnomAD exomes 0.00002 and 0.00003; gnomAD 0.00003 and 0.00004; TOPMed 0.00003; ExAC 0.00005.
gnomAD v4.1: 37 of 1,614,004 alleles (0.0023%); highest among the groups gnomAD compares: Non-Finnish European, 0.0031%; no homozygotes.

Submissions (6):

Labcorp Genetics (formerly Invitae), Labcorp
Classification: Likely benign for Charcot-Marie-Tooth disease axonal type 2C. Last evaluated: 2025-10-02. Review status: criteria provided, single submitter. Criteria: Invitae Variant Classification Sherloc (09022015). Collection method: clinical testing. Allele origin: germline.

Blueprint Genetics
Classification: Likely benign. Last evaluated: 2024-02-14. Review status: criteria provided, single submitter. Criteria: ACMG Guidelines, 2015. Collection method: clinical testing. Allele origin: germline.

CeGaT Center for Human Genetics Tuebingen
Classification: Likely benign. Last evaluated: 2023-10-01. Review status: criteria provided, single submitter. Criteria: CeGaT Center For Human Genetics Tuebingen Variant Classification Criteria Version 2. Collection method: clinical testing. Allele origin: germline. Affected: yes. Observed: 1 variant allele.
Comment: TRPV4: BP4, BP7

Ambry Genetics
Classification: Likely benign for Inborn genetic diseases. Last evaluated: 2019-07-11. Review status: criteria provided, single submitter. Criteria: Ambry Variant Classification Scheme 2023. Collection method: clinical testing. Allele origin: germline.

ARUP Laboratories, Molecular Genetics and Genomics, ARUP Laboratories
Classification: Likely benign. Last evaluated: 2018-04-26. Review status: criteria provided, single submitter. Criteria: ARUP Molecular Germline Variant Investigation Process. Collection method: clinical testing. Allele origin: germline.
Comment: The p.Val633Val variant (rs753027239) does not alter the amino acid sequence of the TRPV4 protein and computational splice site prediction algorithms do not predict a change in the nearest splice site or creation of a cryptic splice site. This variant has not been reported in association with hereditary sensory neuropathy in medical literature or in gene specific variation databases. This variant is listed in the Genome Aggregation Database (gnomAD) with a frequency of 0.006 percent in the European Non-Finnish population (identified on 9 out of 125,488 chromosomes). Based on these observations, the p.Val633Val variant is likely to be benign.

Molecular Genetics Laboratory, London Health Sciences Centre
Classification: Likely benign for Charcot-Marie-Tooth disease. Review status: criteria provided, single submitter. Criteria: ACMG Guidelines, 2015. Collection method: clinical testing. Allele origin: germline. Affected: yes.